The following is an entry in ClinVar:

ClinVar aggregate classification (germline): Uncertain significance (1 of 4 stars; one submission).

Conditions:
Inborn genetic diseases. Identifiers: MedGen C0950123, MeSH D030342.

Submission:

Ambry Genetics
Classification: Uncertain significance for Inborn genetic diseases. Last evaluated: 2026-08-15. Review status: criteria provided, single submitter. Criteria: Ambry Variant Classification Scheme 2023. Collection method: clinical testing. Allele origin: germline.
Comment: The p.Y1282C variant (also known as c.3845A>G), located in coding exon 1 of the SAMD9L gene, results from an A to G substitution at nucleotide position 3845. The tyrosine at codon 1282 is replaced by cysteine, an amino acid with highly dissimilar properties. This amino acid position is conserved. In addition, this alteration is predicted to be tolerated by in silico analysis. Based on the available evidence, the clinical significance of this variant remains unclear.

NM_152703.5(SAMD9L):c.3845A>G (p.Tyr1282Cys)

Gene: SAMD9L (sterile alpha motif domain containing 9 like; minus strand). Cytogenetic location: 7q21.2.
Variant type: single nucleotide variant.
Coding change: c.3845A>G on transcript NM_152703.5 (MANE Select); coding-DNA position 3845, A replaced by G.
Protein change: p.Tyr1282Cys; replaces tyrosine 1282 with cysteine.
Molecular consequence: missense variant.
Genome position (GRCh38, 1-based): chr7:93,132,127, T>C on the plus strand (A>G on the coding strand, the complement: SAMD9L is on the minus strand). VCF-style: chr7-93132127-T-C. GRCh37 (hg19) VCF-style: chr7-92761440-T-C.
Other names: c.3845A>G, p.Tyr1282Cys (NM_001303497.3, NM_001303498.3, NM_001303500.3 and 5 more transcripts); short protein forms Y1282C.
Identifiers: ClinVar variation 5028951 (VCV005028951.1).